The following is an entry in ClinVar:

NM_000292.3(PHKA2):c.112G>C (p.Glu38Gln)

Gene: PHKA2 (phosphorylase kinase regulatory subunit alpha 2; minus strand). Cytogenetic location: Xp22.13.
Variant type: single nucleotide variant.
Coding change: c.112G>C on transcript NM_000292.3 (MANE Select); coding-DNA position 112, G replaced by C.
Protein change: p.Glu38Gln; replaces glutamic acid 38 with glutamine.
Molecular consequence: missense variant.
Genome position (GRCh38, 1-based): chrX:18,954,379, C>G on the plus strand (G>C on the coding strand, the complement: PHKA2 is on the minus strand). VCF-style: chrX-18954379-C-G. GRCh37 (hg19) VCF-style: chrX-18972497-C-G.
Other names: short protein forms E38Q.
Identifiers: ClinVar variation 255768 (VCV000255768.15), dbSNP rs17313469, ClinGen allele CA10362177.

ClinVar aggregate classification (germline): Benign/Likely benign. Review status: criteria provided, multiple submitters, no conflicts (2 of 4 stars). 7 submissions from 7 submitters: Benign (5); Likely benign (1). 1 of the submissions does not count toward it. Last evaluated 2026-02-02.

Conditions:
Glycogen storage disease IXa1. Also called: GLYCOGEN STORAGE DISEASE VIII; GSD VIII; Glycogen storage disease 8; LIVER GLYCOGENOSIS, X-LINKED, TYPE I. Identifiers: Orphanet 264580, MedGen C3694531, MONDO:0010598, OMIM 306000.

Allele frequency attached by ClinVar (database versions not stated): 1000 Genomes Project 0.01060; 1000 Genomes Project 30x 0.01145; gnomAD 0.01971 and 0.02052; gnomAD exomes 0.01979 and 0.02837; ExAC 0.01985; TOPMed 0.02178; ESP Exome Variant Server 0.02433.
gnomAD v4.1: 33,367 of 1,210,349 alleles (2.8%); highest among the groups gnomAD compares: Non-Finnish European, 3.2%; 337 homozygotes.

Submissions (7):

Labcorp Genetics (formerly Invitae), Labcorp
Classification: Benign for Glycogen storage disease IXa1. Last evaluated: 2026-02-02. Review status: criteria provided, single submitter. Criteria: Invitae Variant Classification Sherloc (09022015). Collection method: clinical testing. Allele origin: germline.

Women's Health and Genetics/Laboratory Corporation of America, LabCorp
Classification: Likely benign. Last evaluated: 2025-11-14. Review status: criteria provided, single submitter. Criteria: LabCorp Variant Classification Summary - May 2015. Collection method: clinical testing. Allele origin: germline.

ARUP Laboratories, Molecular Genetics and Genomics, ARUP Laboratories
Classification: Benign. Last evaluated: 2023-10-14. Review status: criteria provided, single submitter. Criteria: ARUP Molecular Germline Variant Investigation Process 2024. Collection method: clinical testing. Allele origin: germline.

GeneDx
Classification: Benign. Last evaluated: 2016-03-08. Review status: criteria provided, single submitter. Criteria: GeneDx Variant Classification (06012015). Collection method: clinical testing. Allele origin: germline. Affected: yes.
Comment: This variant is considered likely benign or benign based on one or more of the following criteria: it is a conservative change, it occurs at a poorly conserved position in the protein, it is predicted to be benign by multiple in silico algorithms, and/or has population frequency not consistent with disease.

Breakthrough Genomics
Classification: Benign. Review status: criteria provided, single submitter. Criteria: ACMG Guidelines, 2015. Collection method: not provided. Allele origin: germline. Inheritance: X-linked inheritance. Affected: yes.

PreventionGenetics, part of Exact Sciences
Classification: Benign. Review status: criteria provided, single submitter. Criteria: ACMG Guidelines, 2015. Collection method: clinical testing. Allele origin: germline.

Mayo Clinic Laboratories, Mayo Clinic
Classification: Likely benign. Last evaluated: 2017-05-03. Review status: no assertion criteria provided. Collection method: clinical testing. Allele origin: unknown. Not counted in ClinVar's aggregate classification.